The following is an entry in ClinVar:

NM_020738.4(KIDINS220):c.2949A>G (p.Ile983Met)

Gene: KIDINS220 (kinase D interacting substrate 220; minus strand). Cytogenetic location: 2p25.1.
Variant type: single nucleotide variant.
Coding change: c.2949A>G on transcript NM_020738.4 (MANE Select); coding-DNA position 2949, A replaced by G.
Protein change: p.Ile983Met; replaces isoleucine 983 with methionine.
Molecular consequence: missense variant. On other transcripts: non-coding transcript variant (2).
Genome position (GRCh38, 1-based): chr2:8,770,732, T>C on the plus strand (A>G on the coding strand, the complement: KIDINS220 is on the minus strand). VCF-style: chr2-8770732-T-C. GRCh37 (hg19) VCF-style: chr2-8910862-T-C.
Other names: c.2952A>G, p.Ile984Met (NM_001348729.2, NM_001348731.2, NM_001348734.2 and 3 more transcripts); c.2949A>G, p.Ile983Met (NM_001348732.2, NM_001348735.2, NM_001348738.2 and 3 more transcripts); c.2823A>G, p.Ile941Met (NM_001348736.2); short protein forms I941M, I983M, I984M.
Identifiers: ClinVar variation 2628859 (VCV002628859.1), dbSNP rs1302294858, ClinGen allele CA345773849.

ClinVar aggregate classification (germline): Uncertain significance (1 of 4 stars; one submission).

Conditions:
KIDINS220-related disorder. Also called: KIDINS220-related condition.

Allele frequency attached by ClinVar (database versions not stated): TOPMed below 0.00001.

Submission:

PreventionGenetics, part of Exact Sciences
Classification: Uncertain significance for KIDINS220-related condition. Last evaluated: 2023-01-05. Review status: criteria provided, single submitter. Criteria: ACMG Guidelines, 2015. Collection method: clinical testing. Allele origin: germline.
Comment: The KIDINS220 c.2949A>G variant is predicted to result in the amino acid substitution p.Ile983Met. To our knowledge, this variant has not been reported in the literature. This variant is reported in 0.0056% of alleles in individuals of East Asian descent in gnomAD. At this time, the clinical significance of this variant is uncertain due to the absence of conclusive functional and genetic evidence.